The following is an entry in ClinVar:

ClinVar aggregate classification (germline): Uncertain significance (1 of 4 stars; one submission).

Conditions:
Aicardi-Goutieres syndrome 6 (AGS6). Identifiers: Orphanet 51, MedGen C3539013, MONDO:0014007, OMIM 615010.
Symmetrical dyschromatosis of extremities (DSH). Also called: RETICULATE ACROPIGMENTATION OF DOHI; SYMMETRIC DYSCHROMATOSIS OF THE EXTREMITIES; Dyschromatosis symmetrica hereditaria; DYSCHROMATOSIS SYMMETRICA HEREDITARIA 1. Identifiers: Orphanet 41, MedGen C0406775, MONDO:0007483, OMIM 127400.

Allele frequency attached by ClinVar (database versions not stated): gnomAD exomes below 0.00001.
gnomAD v4.1: 1 of 1,614,178 alleles (0.000062%); highest among the groups gnomAD compares: South Asian, 0.0011%; no homozygotes.

Submission:

Labcorp Genetics (formerly Invitae), Labcorp
Classification: Uncertain significance for Aicardi-Goutieres syndrome 6; Symmetrical dyschromatosis of extremities. Last evaluated: 2024-07-29. Review status: criteria provided, single submitter. Criteria: Invitae Variant Classification Sherloc (09022015). Collection method: clinical testing. Allele origin: germline.
Comment: This sequence change replaces aspartic acid, which is acidic and polar, with asparagine, which is neutral and polar, at codon 1017 of the ADAR protein (p.Asp1017Asn). This variant is not present in population databases (gnomAD no frequency). This variant has not been reported in the literature in individuals affected with ADAR-related conditions. ClinVar contains an entry for this variant (Variation ID: 2050148). Advanced modeling of protein sequence and biophysical properties (such as structural, functional, and spatial information, amino acid conservation, physicochemical variation, residue mobility, and thermodynamic stability) performed at Invitae indicates that this missense variant is not expected to disrupt ADAR protein function with a negative predictive value of 80%. In summary, the available evidence is currently insufficient to determine the role of this variant in disease. Therefore, it has been classified as a Variant of Uncertain Significance.

NM_001111.5(ADAR):c.3049G>A (p.Asp1017Asn)

Gene: ADAR (adenosine deaminase RNA specific; minus strand). Cytogenetic location: 1q21.3.
Variant type: single nucleotide variant.
Coding change: c.3049G>A on transcript NM_001111.5 (MANE Select); coding-DNA position 3049, G replaced by A.
Protein change: p.Asp1017Asn; replaces aspartic acid 1017 with asparagine.
Molecular consequence: missense variant.
Genome position (GRCh38, 1-based): chr1:154,586,334, C>T on the plus strand (G>A on the coding strand, the complement: ADAR is on the minus strand). VCF-style: chr1-154586334-C-T. GRCh37 (hg19) VCF-style: chr1-154558810-C-T.
Other names: c.2164G>A, p.Asp722Asn (NM_001025107.3, NM_001193495.2, NM_001365046.1 and 2 more transcripts); c.3076G>A, p.Asp1026Asn (NM_001365045.1); c.2086G>A, p.Asp696Asn (NM_001365049.1); c.2971G>A, p.Asp991Asn (NM_015840.4); c.2914G>A, p.Asp972Asn (NM_015841.4); short protein forms D1017N, D696N, D1026N, D722N, D972N, D991N.
Identifiers: ClinVar variation 2050148 (VCV002050148.4), dbSNP rs2526466323, ClinGen allele CA342635841.